The following is an entry in ClinVar:

ClinVar aggregate classification (germline): Uncertain significance (1 of 4 stars; one submission).

Conditions:
Progressive sclerosing poliodystrophy (MTDPS4A). Also called: Mitochondrial DNA depletion syndrome 4A (Alpers type); ALPERS PROGRESSIVE INFANTILE POLIODYSTROPHY; NEURONAL DEGENERATION OF CHILDHOOD WITH LIVER DISEASE, PROGRESSIVE; Mitochondrial DNA Depletion Syndrome 4A; Alpers-Huttenlocher Syndrome (AHS); Alpers Syndrome. Identifiers: Orphanet 726, MedGen C0205710, MONDO:0008758, OMIM 203700.

Submission:

Labcorp Genetics (formerly Invitae), Labcorp
Classification: Uncertain significance for Progressive sclerosing poliodystrophy. Last evaluated: 2025-05-27. Review status: criteria provided, single submitter. Criteria: Invitae Variant Classification Sherloc (09022015). Collection method: clinical testing. Allele origin: germline.
Comment: This variant, c.189_191del, results in the deletion of 1 amino acid(s) of the POLG protein (p.Ser64del), but otherwise preserves the integrity of the reading frame. This variant is not present in population databases (gnomAD no frequency). This variant has not been reported in the literature in individuals affected with POLG-related conditions. ClinVar contains an entry for this variant (Variation ID: 1408094). Experimental studies and prediction algorithms are not available or were not evaluated, and the functional significance of this variant is currently unknown. In summary, the available evidence is currently insufficient to determine the role of this variant in disease. Therefore, it has been classified as a Variant of Uncertain Significance.

NM_002693.3(POLG):c.189_191del (p.Ser64del)

Genes: POLGARF (POLG alternative reading frame; minus strand), POLG (DNA polymerase gamma, catalytic subunit; minus strand). Cytogenetic location: 15q26.1.
Variant type: Deletion.
Coding change: c.189_191del on transcript NM_002693.3 (MANE Select); coding-DNA positions 189 to 191, 3 bases deleted (CTC; older notation c.189_191delCTC).
Protein change: p.Ser64del; deletes serine 64.
Molecular consequence: inframe deletion.
Genome position (GRCh38, 1-based): chr15:89,333,564-89,333,566, GAG deleted on the plus strand (CTC on the coding strand, the reverse complement: POLG is on the minus strand); deleting any 3 consecutive bases within chr15:89,333,564-89,333,568 gives the same sequence; the c. name uses the placement nearest the transcript's 3' end. VCF-style (leftmost placement, unchanged base first): chr15-89333563-CGAG-C. GRCh37 (hg19) VCF-style: chr15-89876794-CGAG-C.
Other names: c.189_191del, p.Ser64del (NM_001126131.2); short protein forms S64del.
Identifiers: ClinVar variation 1408094 (VCV001408094.4), dbSNP rs2141815620, ClinGen allele CA2573151277.